The following is an entry in ClinVar:

ClinVar aggregate classification (germline): Uncertain significance. Review status: criteria provided, multiple submitters, no conflicts (2 of 4 stars). 2 submissions from 2 submitters: Uncertain significance (2). Last evaluated 2025-10-21.

Conditions:
Nephronophthisis 14 (NPHP14). Identifiers: Orphanet 2318, MedGen C3539071, MONDO:0013916, OMIM 614844.

Allele frequency attached by ClinVar (database versions not stated): gnomAD 0.00002; gnomAD exomes below 0.00001; ExAC 0.00001; TOPMed 0.00001; ESP Exome Variant Server 0.00008.
gnomAD v4.1: 8 of 1,613,862 alleles (0.0005%); highest among the groups gnomAD compares: Non-Finnish European, 0.00068%; no homozygotes.

Submissions (2):

Ambry Genetics
Classification: Uncertain significance. Last evaluated: 2025-10-21. Review status: criteria provided, single submitter. Criteria: Ambry Variant Classification Scheme 2023. Collection method: clinical testing. Allele origin: germline.

Labcorp Genetics (formerly Invitae), Labcorp
Classification: Uncertain significance for Nephronophthisis 14. Last evaluated: 2022-06-22. Review status: criteria provided, single submitter. Criteria: Invitae Variant Classification Sherloc (09022015). Collection method: clinical testing. Allele origin: germline.
Comment: This variant has not been reported in the literature in individuals affected with ZNF423-related conditions. This variant is present in population databases (rs373356097, gnomAD 0.002%). This sequence change replaces glycine, which is neutral and non-polar, with arginine, which is basic and polar, at codon 525 of the ZNF423 protein (p.Gly525Arg). Algorithms developed to predict the effect of missense changes on protein structure and function are either unavailable or do not agree on the potential impact of this missense change (SIFT: "Deleterious"; PolyPhen-2: "Probably Damaging"; Align-GVGD: "Class C15"). In summary, the available evidence is currently insufficient to determine the role of this variant in disease. Therefore, it has been classified as a Variant of Uncertain Significance.

NM_001379286.1(ZNF423):c.1597G>C (p.Gly533Arg)

Gene: ZNF423 (zinc finger protein 423; minus strand). Cytogenetic location: 16q12.1.
Variant type: single nucleotide variant.
Coding change: c.1597G>C on transcript NM_001379286.1 (MANE Select); coding-DNA position 1597, G replaced by C.
Protein change: p.Gly533Arg; replaces glycine 533 with arginine.
Molecular consequence: missense variant.
Genome position (GRCh38, 1-based): chr16:49,637,579, C>G on the plus strand (G>C on the coding strand, the complement: ZNF423 is on the minus strand). VCF-style: chr16-49637579-C-G. GRCh37 (hg19) VCF-style: chr16-49671490-C-G.
Other names: c.1573G>C (NM_015069.2); c.1393G>C, p.Gly465Arg (NM_001271620.2); c.1222G>C, p.Gly408Arg (NM_001330533.2); c.1573G>C, p.Gly525Arg (NM_015069.5); short protein forms G408R, G465R, G533R, G525R.
Identifiers: ClinVar variation 1398171 (VCV001398171.7), dbSNP rs373356097, ClinGen allele CA8046655.